The following is an entry in ClinVar:

NM_006516.4(SLC2A1):c.1115T>A (p.Ile372Asn)

Gene: SLC2A1 (solute carrier family 2 member 1; minus strand). Cytogenetic location: 1p34.2.
Variant type: single nucleotide variant.
Coding change: c.1115T>A on transcript NM_006516.4 (MANE Select); coding-DNA position 1115, T replaced by A.
Protein change: p.Ile372Asn; replaces isoleucine 372 with asparagine.
Molecular consequence: missense variant.
Genome position (GRCh38, 1-based): chr1:42,927,768, A>T on the plus strand (T>A on the coding strand, the complement: SLC2A1 is on the minus strand). VCF-style: chr1-42927768-A-T. GRCh37 (hg19) VCF-style: chr1-43393439-A-T.
Other names: short protein forms I372N.
Identifiers: ClinVar variation 965573 (VCV000965573.10), dbSNP rs1643443081, ClinGen allele CA339954230.

ClinVar aggregate classification (germline): Pathogenic (1 of 4 stars; one submission).

Conditions:
GLUT1 deficiency syndrome 1, autosomal recessive. Identifiers: MedGen C3149117.

Submission:

Labcorp Genetics (formerly Invitae), Labcorp
Classification: Pathogenic for GLUT1 deficiency syndrome 1, autosomal recessive. Last evaluated: 2024-06-17. Review status: criteria provided, single submitter. Criteria: Invitae Variant Classification Sherloc (09022015). Collection method: clinical testing. Allele origin: germline.
Comment: This sequence change replaces isoleucine, which is neutral and non-polar, with asparagine, which is neutral and polar, at codon 372 of the SLC2A1 protein (p.Ile372Asn). This variant is not present in population databases (gnomAD no frequency). This missense change has been observed in individual(s) with clinical features of GLUT1-deficiency syndrome (Invitae). In at least one individual the variant was observed to be de novo. ClinVar contains an entry for this variant (Variation ID: 965573). Advanced modeling of protein sequence and biophysical properties (such as structural, functional, and spatial information, amino acid conservation, physicochemical variation, residue mobility, and thermodynamic stability) performed at Invitae indicates that this missense variant is expected to disrupt SLC2A1 protein function with a positive predictive value of 95%. For these reasons, this variant has been classified as Pathogenic.